The following is an entry in ClinVar:

ClinVar aggregate classification (germline): Conflicting classifications of pathogenicity. Review status: criteria provided, conflicting classifications (1 of 4 stars). 5 submissions from 5 submitters: Uncertain significance (4); Likely benign (1). Last evaluated 2025-01-28.

Conditions:
PCSK9-related disorder. Also called: PCSK9-related disorders; PCSK9-related condition.
Cardiovascular phenotype. Identifiers: MedGen CN230736.
Familial hypercholesterolemia. Also called: Familial hypercholesterolaemia; Familial hypercholesterolemias. Identifiers: MedGen C0020445, MONDO:0005439.
Hypercholesterolemia, autosomal dominant, 3 (FHCL3). Also called: PCSK9-Related Familial Hypercholesterolemia, Autosomal Dominant; Familial Hypercholesterolemia, Autosomal Dominant, 3; Familial hypercholesterolemia 3. Identifiers: MedGen C1863551, MONDO:0011369, OMIM 603776.

Allele frequency attached by ClinVar (database versions not stated): gnomAD 0.00003 and below 0.00001; ExAC 0.00010; 1000 Genomes Project 0.00020; gnomAD exomes 0.00007 and 0.00003; 1000 Genomes Project 30x 0.00016.
gnomAD v4.1: 52 of 1,613,792 alleles (0.0032%); highest among the groups gnomAD compares: South Asian, 0.057%; 1 homozygote.

Submissions (5):

Ambry Genetics
Classification: Likely benign for Cardiovascular phenotype. Last evaluated: 2025-01-28. Review status: criteria provided, single submitter. Criteria: Ambry Variant Classification Scheme 2023. Collection method: clinical testing. Allele origin: germline.

All of Us Research Program, National Institutes of Health
Classification: Uncertain significance for Hypercholesterolemia, autosomal dominant, 3. Last evaluated: 2023-08-23. Review status: criteria provided, single submitter. Criteria: ACMG Guidelines, 2015. Collection method: clinical testing. Allele origin: germline. Inheritance: Autosomal dominant inheritance. Observed: 1 variant allele, 1 heterozygote.
Comment: This missense variant replaces alanine with serine at codon 402 of the PCSK9 protein. Computational prediction tools and conservation analyses suggest that this variant may not impact protein structure and function. Splice site prediction tools suggest that this variant may not impact RNA splicing. To our knowledge, functional studies have not been performed for this variant. This variant has not been reported in individuals affected with familial hypercholesterolemia in the literature. This variant has been identified in 17/251076 chromosomes in the general population by the Genome Aggregation Database (gnomAD). The available evidence is insufficient to determine the role of this variant in disease conclusively. Therefore, this variant is classified as a Variant of Uncertain Significance.

This study involves interpretation of variants in research participants for the purpose of population health screening. Participant phenotype was not available at the time of variant classification. Additional details can be found in publication PMID: 35346344, PMCID: PMC8962531

Color Diagnostics, LLC DBA Color Health
Classification: Uncertain significance for Familial hypercholesterolemia. Last evaluated: 2023-08-09. Review status: criteria provided, single submitter. Criteria: ACMG Guidelines, 2015. Collection method: clinical testing. Allele origin: germline.
Comment: This missense variant replaces alanine with serine at codon 402 of the PCSK9 protein. Computational prediction suggests that this variant may not impact protein structure and function (internally defined REVEL score threshold <= 0.5, PMID: 27666373). To our knowledge, functional studies have not been reported for this variant. This variant has not been reported in individuals affected with familial hypercholesterolemia in the literature. This variant has been identified in 17/251076 chromosomes in the general population by the Genome Aggregation Database (gnomAD). The available evidence is insufficient to determine the role of this variant in disease conclusively. Therefore, this variant is classified as a Variant of Uncertain Significance.

PreventionGenetics, part of Exact Sciences
Classification: Uncertain significance for PCSK9-related condition. Last evaluated: 2023-07-07. Review status: criteria provided, single submitter. Criteria: ACMG Guidelines, 2015. Collection method: clinical testing. Allele origin: germline.
Comment: The PCSK9 c.1204G>T variant is predicted to result in the amino acid substitution p.Ala402Ser. To our knowledge, this variant has not been reported in the literature. This variant is reported in 0.056% of alleles in individuals of South Asian descent in gnomAD. Although we suspect that this variant may be benign, at this time, the clinical significance of this variant is uncertain due to the absence of conclusive functional and genetic evidence.

Labcorp Genetics (formerly Invitae), Labcorp
Classification: Uncertain significance for Hypercholesterolemia, autosomal dominant, 3. Last evaluated: 2021-08-24. Review status: criteria provided, single submitter. Criteria: Invitae Variant Classification Sherloc (09022015). Collection method: clinical testing. Allele origin: germline.
Comment: This sequence change replaces alanine with serine at codon 402 of the PCSK9 protein (p.Ala402Ser). The alanine residue is weakly conserved and there is a moderate physicochemical difference between alanine and serine. This variant is present in population databases (rs533612423, ExAC 0.07%), and has an allele count higher than expected for a pathogenic variant (PMID: 28166811). This variant has not been reported in the literature in individuals affected with PCSK9-related conditions. Algorithms developed to predict the effect of missense changes on protein structure and function output the following: SIFT: "Tolerated"; PolyPhen-2: "Benign"; Align-GVGD: "Class C0". The serine amino acid residue is found in multiple mammalian species, which suggests that this missense change does not adversely affect protein function. In summary, the available evidence is currently insufficient to determine the role of this variant in disease. Therefore, it has been classified as a Variant of Uncertain Significance.

Literature cited by the submitters: PubMed 28166811 (cited by Labcorp Genetics (formerly Invitae), Labcorp).

NM_174936.4(PCSK9):c.1204G>T (p.Ala402Ser)

Gene: PCSK9 (proprotein convertase subtilisin/kexin type 9; plus strand). Cytogenetic location: 1p32.3.
Variant type: single nucleotide variant.
Coding change: c.1204G>T on transcript NM_174936.4 (MANE Select); coding-DNA position 1204, G replaced by T.
Protein change: p.Ala402Ser; replaces alanine 402 with serine.
Molecular consequence: missense variant.
Genome position (GRCh38, 1-based): chr1:55,058,059, G>T. VCF-style: chr1-55058059-G-T. GRCh37 (hg19) VCF-style: chr1-55523732-G-T.
Other names: c.1327G>T, p.Ala443Ser (NM_001407240.1); c.1204G>T, p.Ala402Ser (NM_001407241.1); c.1207G>T, p.Ala403Ser (NM_001407242.1); c.1147G>T, p.Ala383Ser (NM_001407243.1); c.1012G>T, p.Ala338Ser (NM_001407245.1); c.829G>T, p.Ala277Ser (NM_001407246.1); short protein forms A402S, A338S, A277S, A383S, A403S, A443S.
Identifiers: ClinVar variation 921729 (VCV000921729.17), dbSNP rs533612423, ClinGen allele CA035802.